The following is an entry in ClinVar:

ClinVar aggregate classification (germline): Benign/Likely benign. Review status: criteria provided, multiple submitters, no conflicts (2 of 4 stars). 11 submissions from 11 submitters: Benign (7); Likely benign (2). 2 of the submissions do not count toward it. Last evaluated 2026-09-01.

Conditions:
Cardiovascular phenotype. Identifiers: MedGen CN230736.
Myofibrillar myopathy 5. Also called: Filaminopathy (type); FILAMINOPATHY, AUTOSOMAL DOMINANT. Identifiers: Orphanet 171445, MedGen C1836050, MONDO:0012289, OMIM 609524.
Distal myopathy with posterior leg and anterior hand involvement. Also called: WILLIAMS DISTAL MYOPATHY. Identifiers: Orphanet 63273, MedGen C3279722, MONDO:0013550, OMIM 614065.
Hypertrophic cardiomyopathy 26. Also called: Cardiomyopathy, familial hypertrophic, 26. Identifiers: Orphanet 75249, MedGen C4310749, MONDO:0014883, OMIM 617047.

Allele frequency attached by ClinVar (database versions not stated): ESP Exome Variant Server 0.00189; 1000 Genomes Project 30x 0.00265; gnomAD 0.00271 and 0.00283; 1000 Genomes Project 0.00280; TOPMed 0.00314.
gnomAD v4.1: 839 of 1,614,030 alleles (0.052%); highest among the groups gnomAD compares: African/African-American, 0.97%; 4 homozygotes.

Submissions (11):

CeGaT Center for Human Genetics Tuebingen
Classification: Likely benign. Last evaluated: 2026-09-01. Review status: criteria provided, single submitter. Criteria: CeGaT Center For Human Genetics Tuebingen Variant Classification Criteria Version 2. Collection method: clinical testing. Allele origin: germline. Affected: yes. Observed: 6 variant alleles.
Comment: FLNC: BS1

Labcorp Genetics (formerly Invitae), Labcorp
Classification: Benign for Distal myopathy with posterior leg and anterior hand involvement; Myofibrillar myopathy 5; Hypertrophic cardiomyopathy 26. Last evaluated: 2026-02-02. Review status: criteria provided, single submitter. Criteria: Invitae Variant Classification Sherloc (09022015). Collection method: clinical testing. Allele origin: germline.

Molecular Diagnostic Laboratory for Inherited Cardiovascular Disease, Montreal Heart Institute
Classification: Benign. Last evaluated: 2025-04-09. Review status: criteria provided, single submitter. Criteria: ACMG Guidelines, 2015. Collection method: clinical testing. Allele origin: germline. Affected: no.

Blueprint Genetics
Classification: Likely benign. Last evaluated: 2024-11-14. Review status: criteria provided, single submitter. Criteria: ACMG Guidelines, 2015. Collection method: clinical testing. Allele origin: germline.

ARUP Laboratories, Molecular Genetics and Genomics, ARUP Laboratories
Classification: Benign. Last evaluated: 2024-06-09. Review status: criteria provided, single submitter. Criteria: ARUP Molecular Germline Variant Investigation Process 2024. Collection method: clinical testing. Allele origin: germline.

Women's Health and Genetics/Laboratory Corporation of America, LabCorp
Classification: Benign. Last evaluated: 2023-08-19. Review status: criteria provided, single submitter. Criteria: LabCorp Variant Classification Summary - May 2015. Collection method: clinical testing. Allele origin: germline.

Ambry Genetics
Classification: Benign for Cardiovascular phenotype. Last evaluated: 2019-03-05. Review status: criteria provided, single submitter. Criteria: Ambry Variant Classification Scheme 2023. Collection method: clinical testing. Allele origin: germline.

GeneDx
Classification: Benign. Last evaluated: 2018-06-11. Review status: criteria provided, single submitter. Criteria: GeneDx Variant Classification Process June 2021. Collection method: clinical testing. Allele origin: germline. Affected: yes.

Eurofins Ntd Llc (ga)
Classification: Benign. Last evaluated: 2016-03-01. Review status: criteria provided, single submitter. Criteria: EGL Classification Definitions 2015. Collection method: clinical testing. Allele origin: germline. Observed: 1 variant allele, 1 heterozygote.

Clinical Genetics, Academic Medical Center
Classification: Benign. Review status: no assertion criteria provided. Collection method: clinical testing. Allele origin: germline. Affected: yes. Study: VKGL Data-share Consensus. Not counted in ClinVar's aggregate classification.

Genome Diagnostics Laboratory, University Medical Center Utrecht
Classification: Likely benign. Review status: no assertion criteria provided. Collection method: clinical testing. Allele origin: germline. Affected: yes. Study: VKGL Data-share Consensus. Not counted in ClinVar's aggregate classification.

NM_001458.5(FLNC):c.3006G>A (p.Arg1002=)

Gene: FLNC (filamin C; plus strand). Cytogenetic location: 7q32.1.
Variant type: single nucleotide variant.
Coding change: c.3006G>A on transcript NM_001458.5 (MANE Select); coding-DNA position 3006, G replaced by A.
Protein change: p.Arg1002=; no amino-acid change (arginine 1002 retained).
Molecular consequence: synonymous variant.
Genome position (GRCh38, 1-based): chr7:128,844,080, G>A. VCF-style: chr7-128844080-G-A. GRCh37 (hg19) VCF-style: chr7-128484134-G-A.
Other names: c.3006G>A, p.Arg1002= (NM_001127487.2).
Identifiers: ClinVar variation 286341 (VCV000286341.50), dbSNP rs61737781, ClinGen allele CA4474933.